The following is an entry in ClinVar:

ClinVar aggregate classification (germline): Pathogenic (1 of 4 stars; one submission).

Conditions:
Charcot-Marie-Tooth disease type 4. Also called: Charcot-Marie-Tooth, Type 4; Charcot-Marie-Tooth disease, type IV. Identifiers: Orphanet 64749, MedGen C4082197, MONDO:0018995.

Submission:

Labcorp Genetics (formerly Invitae), Labcorp
Classification: Pathogenic for Charcot-Marie-Tooth disease type 4. Last evaluated: 2024-02-16. Review status: criteria provided, single submitter. Criteria: Invitae Variant Classification Sherloc (09022015). Collection method: clinical testing. Allele origin: germline.
Comment: This sequence change creates a premature translational stop signal (p.Val223Trpfs*90) in the PRX gene. While this is not anticipated to result in nonsense mediated decay, it is expected to disrupt the last 1239 amino acid(s) of the PRX protein. This variant is not present in population databases (gnomAD no frequency). This variant has not been reported in the literature in individuals affected with PRX-related conditions. This variant disrupts a region of the PRX protein in which other variant(s) (p.Gln1169*) have been determined to be pathogenic (Invitae). This suggests that this is a clinically significant region of the protein, and that variants that disrupt it are likely to be disease-causing. For these reasons, this variant has been classified as Pathogenic.

NM_181882.3(PRX):c.667del (p.Val223fs)

Gene: PRX (periaxin; minus strand). Cytogenetic location: 19q13.2.
Variant type: Deletion.
Coding change: c.667del on transcript NM_181882.3 (MANE Select); coding-DNA position 667, one base deleted (G; older notation c.667delG).
Protein change: p.Val223fs; shifts the reading frame from valine 223.
Molecular consequence: frameshift variant. On other transcripts: 3 prime UTR variant (1).
Genome position (GRCh38, 1-based): chr19:40,397,685, C deleted on the plus strand (G on the coding strand, the reverse complement: PRX is on the minus strand); the first of 2 consecutive C bases (chr19:40,397,685-40,397,686); deleting either gives the same sequence. VCF-style (leftmost placement, unchanged base first): chr19-40397684-AC-A. GRCh37 (hg19) VCF-style: chr19-40903591-AC-A.
Other names: c.952del, p.Val318fs (NM_001411127.1); c.*872del (NM_020956.2); short protein forms V223fs, V318fs.
Identifiers: ClinVar variation 3611669 (VCV003611669.2).